The following is an entry in ClinVar:

NM_016148.5(SHANK1):c.2137C>T (p.Arg713Ter)

Gene: SHANK1 (SH3 and multiple ankyrin repeat domains 1; minus strand). Cytogenetic location: 19q13.33.
Variant type: single nucleotide variant.
Coding change: c.2137C>T on transcript NM_016148.5 (MANE Select); coding-DNA position 2137, C replaced by T.
Protein change: p.Arg713Ter; replaces arginine 713 with a stop codon.
Molecular consequence: nonsense.
Genome position (GRCh38, 1-based): chr19:50,688,879, G>A on the plus strand (C>T on the coding strand, the complement: SHANK1 is on the minus strand). VCF-style: chr19-50688879-G-A. GRCh37 (hg19) VCF-style: chr19-51192136-G-A.
Other names: short protein forms R713*.
Identifiers: ClinVar variation 1311170 (VCV001311170.9), dbSNP rs138273094, ClinGen allele CA407026180.

ClinVar aggregate classification (germline): Pathogenic. Review status: criteria provided, multiple submitters, no conflicts (2 of 4 stars). 3 submissions from 3 submitters: Pathogenic (3). Last evaluated 2025-11-02.

Conditions:
Intellectual disability. Also called: intellectual disabilities; Intellectual functioning disability; Intellectual developmental disorder. Identifiers: MedGen C3714756, MeSH D008607, MONDO:0001071, HP:0001249.

Submissions (3):

Labcorp Genetics (formerly Invitae), Labcorp
Classification: Pathogenic. Last evaluated: 2025-11-02. Review status: criteria provided, single submitter. Criteria: Invitae Variant Classification Sherloc (09022015). Collection method: clinical testing. Allele origin: germline.
Comment: This sequence change creates a premature translational stop signal (p.Arg713*) in the SHANK1 gene. It is expected to result in an absent or disrupted protein product. Loss-of-function variants in SHANK1 are known to be pathogenic (PMID: 34113010). This variant is not present in population databases (gnomAD no frequency). This premature translational stop signal has been observed in individual(s) with SHANK1-related conditions (PMID: 36980980). In at least one individual the variant was observed to be de novo. ClinVar contains an entry for this variant (Variation ID: 1311170). Algorithms developed to predict the effect of sequence changes on RNA splicing suggest that this variant may create or strengthen a splice site. For these reasons, this variant has been classified as Pathogenic.

GeneDx
Classification: Pathogenic. Last evaluated: 2025-09-09. Review status: criteria provided, single submitter. Criteria: GeneDx Variant Classification Process June 2021. Collection method: clinical testing. Allele origin: germline. Affected: yes.
Comment: Nonsense variant predicted to result in protein truncation or nonsense mediated decay in a gene for which loss of function is a known mechanism of disease; Not observed at significant frequency in large population cohorts (gnomAD); This variant is associated with the following publications: (PMID: 36980980)

Genetics Laboratory, UDIAT-Centre Diagnòstic, Hospital Universitari Parc Tauli
Classification: Pathogenic for Intellectual disability. Last evaluated: 2022-10-04. Review status: criteria provided, single submitter. Criteria: Parc Tauli Hospital Assertion Criteria 2021. Collection method: clinical testing. Allele origin: de novo. Inheritance: Autosomal dominant inheritance. Affected: yes.
Comment: PVS1;PM2_supporting;PM6

Literature cited by the submitters: PubMed 34113010 (cited by Labcorp Genetics (formerly Invitae), Labcorp); PubMed 36980980 (cited by Labcorp Genetics (formerly Invitae), Labcorp).